The following is an entry in ClinVar:

NM_177438.3(DICER1):c.3777C>G (p.Ala1259=)

Gene: DICER1 (dicer 1, ribonuclease III; minus strand). Cytogenetic location: 14q32.13.
Variant type: single nucleotide variant.
Coding change: c.3777C>G on transcript NM_177438.3 (MANE Select); coding-DNA position 3777, C replaced by G.
Protein change: p.Ala1259=; no amino-acid change (alanine 1259 retained).
Molecular consequence: synonymous variant.
Genome position (GRCh38, 1-based): chr14:95,103,619, G>C on the plus strand (C>G on the coding strand, the complement: DICER1 is on the minus strand). VCF-style: chr14-95103619-G-C. GRCh37 (hg19) VCF-style: chr14-95569956-G-C.
Other names: c.3777C>G, p.Ala1259= (NM_001195573.1, NM_001271282.3, NM_001291628.2 and 1 more transcripts).
Identifiers: ClinVar variation 543682 (VCV000543682.15), dbSNP rs770390974, ClinGen allele CA265905980.

ClinVar aggregate classification (germline): Benign/Likely benign. Review status: criteria provided, multiple submitters, no conflicts (2 of 4 stars). 3 submissions from 3 submitters: Benign (1); Likely benign (2). Last evaluated 2026-08-18.

Conditions:
Hereditary cancer-predisposing syndrome. Also called: Tumor predisposition; Neoplastic Syndromes, Hereditary; Hereditary Cancer Syndrome; Hereditary neoplastic syndrome. Identifiers: Orphanet 140162, MedGen C0027672, MeSH D009386, MONDO:0015356.
DICER1-related tumor predisposition. Also called: DICER1 syndrome; DICER1-related pleuropulmonary blastoma cancer predisposition syndrome. Identifiers: Orphanet 284343, MedGen C3839822, MONDO:0100216.

Allele frequency attached by ClinVar (database versions not stated): gnomAD 0.00006.
gnomAD v4.1: 5 of 1,614,032 alleles (0.00031%); highest among the groups gnomAD compares: Non-Finnish European, 0.00042%; no homozygotes.

Submissions (3):

Myriad Genetics, Inc.
Classification: Benign for DICER1-related tumor predisposition. Last evaluated: 2026-08-18. Review status: criteria provided, single submitter. Criteria: Myriad Autosomal Dominant, Autosomal Recessive and X-Linked Classification Criteria (2023). Collection method: clinical testing. Allele origin: unknown.
Comment: This variant is considered benign. This variant is a silent/synonymous amino acid change and it is not expected to impact splicing.

Labcorp Genetics (formerly Invitae), Labcorp
Classification: Likely benign for DICER1-related tumor predisposition. Last evaluated: 2025-06-23. Review status: criteria provided, single submitter. Criteria: Invitae Variant Classification Sherloc (09022015). Collection method: clinical testing. Allele origin: germline.

Ambry Genetics
Classification: Likely benign for Hereditary cancer-predisposing syndrome. Last evaluated: 2018-06-29. Review status: criteria provided, single submitter. Criteria: Ambry Variant Classification Scheme 2023. Collection method: clinical testing. Allele origin: germline.